The following is an entry in ClinVar:

ClinVar aggregate classification (germline): Uncertain significance. Review status: criteria provided, multiple submitters, no conflicts (2 of 4 stars). 2 submissions from 2 submitters: Uncertain significance (2). Last evaluated 2025-05-01.

gnomAD v4.1: 4 of 1,614,140 alleles (0.00025%); highest among the groups gnomAD compares: South Asian, 0.0022%; no homozygotes.

Submissions (2):

Ambry Genetics
Classification: Uncertain significance. Last evaluated: 2025-05-01. Review status: criteria provided, single submitter. Criteria: Ambry Variant Classification Scheme 2023. Collection method: clinical testing. Allele origin: germline.

Labcorp Genetics (formerly Invitae), Labcorp
Classification: Uncertain significance. Last evaluated: 2024-10-02. Review status: criteria provided, single submitter. Criteria: Invitae Variant Classification Sherloc (09022015). Collection method: clinical testing. Allele origin: germline.
Comment: This sequence change replaces asparagine, which is neutral and polar, with serine, which is neutral and polar, at codon 410 of the HYOU1 protein (p.Asn410Ser). This variant is present in population databases (rs781784251, gnomAD 0.0009%). This variant has not been reported in the literature in individuals affected with HYOU1-related conditions. An algorithm developed to predict the effect of missense changes on protein structure and function (PolyPhen-2) suggests that this variant is likely to be disruptive. In summary, the available evidence is currently insufficient to determine the role of this variant in disease. Therefore, it has been classified as a Variant of Uncertain Significance.

NM_006389.5(HYOU1):c.1229A>G (p.Asn410Ser)

Genes: HYOU1 (hypoxia up-regulated 1; minus strand), LOC130006884 (ATAC-STARR-seq lymphoblastoid active region 5617; plus strand). Cytogenetic location: 11q23.3.
Variant type: single nucleotide variant.
Coding change: c.1229A>G on transcript NM_006389.5 (MANE Select); coding-DNA position 1229, A replaced by G.
Protein change: p.Asn410Ser; replaces asparagine 410 with serine.
Molecular consequence: missense variant.
Genome position (GRCh38, 1-based): chr11:119,051,928, T>C on the plus strand (A>G on the coding strand, the complement: HYOU1 is on the minus strand). VCF-style: chr11-119051928-T-C. GRCh37 (hg19) VCF-style: chr11-118922640-T-C.
Other names: c.1229A>G, p.Asn410Ser (NM_001130991.3, NM_001411041.1); c.1229A>G (NM_006389.3); short protein forms N410S.
Identifiers: ClinVar variation 3615404 (VCV003615404.3).